The following is an entry in ClinVar:

NC_000002.11:g.(?_236403331)_(236626308_?)dup

Gene: AGAP1 (ArfGAP with GTPase domain, ankyrin repeat and PH domain 1; plus strand). Cytogenetic location: 2q37.2.
Variant type: Duplication.
Identifiers: ClinVar variation 3247548 (VCV003247548.1).

ClinVar aggregate classification (germline): Uncertain significance (1 of 4 stars; one submission).

Submission:

Labcorp Genetics (formerly Invitae), Labcorp
Classification: Uncertain significance. Last evaluated: 2023-09-27. Review status: criteria provided, single submitter. Criteria: Invitae Variant Classification Sherloc (09022015). Collection method: clinical testing. Allele origin: unknown.
Comment: In summary, the available evidence is currently insufficient to determine the role of this variant in disease. Therefore, it has been classified as a Variant of Uncertain Significance. This variant has not been reported in the literature in individuals affected with AGAP1-related conditions. This variant results in a copy number gain of the genomic region encompassing exon(s) 1-3 of the AGAP1 gene. This region includes the initiator codon of the gene. This copy number gain extends beyond the assayed region for this gene and therefore may encompass additional genes. As the precise location of this event is unknown, it may be in tandem or it may be located elsewhere in the genome.